The following is an entry in ClinVar:

NM_004208.4(AIFM1):c.754A>C (p.Thr252Pro)

Genes: AIFM1 (apoptosis inducing factor mitochondria associated 1; minus strand), RAB33A (RAB33A, member RAS oncogene family; plus strand). Cytogenetic location: Xq26.1.
Variant type: single nucleotide variant.
Coding change: c.754A>C on transcript NM_004208.4 (MANE Select); coding-DNA position 754, A replaced by C.
Protein change: p.Thr252Pro; replaces threonine 252 with proline.
Molecular consequence: missense variant. On other transcripts: non-coding transcript variant (1).
Genome position (GRCh38, 1-based): chrX:130,140,560, T>G on the plus strand (A>C on the coding strand, the complement: AIFM1 is on the minus strand). VCF-style: chrX-130140560-T-G. GRCh37 (hg19) VCF-style: chrX-129274535-T-G.
Other names: c.754A>C, p.Thr252Pro (NM_001130847.4); c.742A>C, p.Thr248Pro (NM_145812.3); short protein forms T248P, T252P.
Identifiers: ClinVar variation 3361135 (VCV003361135.2).

ClinVar aggregate classification (germline): Uncertain significance (1 of 4 stars; one submission).

Submission:

GeneDx
Classification: Uncertain significance. Last evaluated: 2025-10-24. Review status: criteria provided, single submitter. Criteria: GeneDx Variant Classification Process June 2021. Collection method: clinical testing. Allele origin: germline.
Comment: Has not been previously published as pathogenic or benign to our knowledge; Not observed at significant frequency in large population cohorts (gnomAD); In silico analysis suggests that this missense variant does not alter protein structure/function